The following is an entry in ClinVar:

ClinVar aggregate classification (germline): Likely pathogenic (1 of 4 stars; one submission).

Conditions:
Ehlers-Danlos syndrome, type 4 (EDSVASC). Also called: Ehlers-Danlos syndrome vascular type; Ehlers Danlos syndrome, ecchymotic type; Ehlers Danlos syndrome, arterial type; Ehlers Danlos syndrome, Sack-Barabas type; Ehlers-Danlos Syndrome Type IV. Identifiers: Orphanet 286, MedGen C0268338, MONDO:0017314, OMIM 130050.

Submission:

Labcorp Genetics (formerly Invitae), Labcorp
Classification: Likely pathogenic for Ehlers-Danlos syndrome, type 4. Last evaluated: 2018-08-20. Review status: criteria provided, single submitter. Criteria: Invitae Variant Classification Sherloc (09022015). Collection method: clinical testing. Allele origin: germline.
Comment: This sequence change replaces glycine with aspartic acid at codon 720 of the COL3A1 protein (p.Gly720Asp). The glycine residue is highly conserved and there is a moderate physicochemical difference between glycine and aspartic acid. This variant is not present in population databases (ExAC no frequency). Glycine residues within the Gly-Xaa-Yaa repeats of the triple helix domain are required for the structure and stability of fibrillar collagens (PMID: 7695699, 8218237, 19344236). In COL3A1, missense variants at these glycine residues are significantly enriched in individuals with disease (PMID: 24922459, 25758994) compared to the general population (ExAC). Algorithms developed to predict the effect of missense changes on protein structure and function (SIFT, PolyPhen-2, Align-GVGD) all suggest that this variant is likely to be disruptive, but these predictions have not been confirmed by published functional studies and their clinical significance is uncertain. In summary, the currently available evidence indicates that the variant is pathogenic, but additional data are needed to prove that conclusively. Therefore, this variant has been classified as Likely Pathogenic.

Literature cited by the submitters: PubMed 7695699; PubMed 19344236; PubMed 24922459; PubMed 8218237; PubMed 25758994.

NM_000090.4(COL3A1):c.2159G>A (p.Gly720Asp)

Gene: COL3A1 (collagen type III alpha 1 chain; plus strand). Cytogenetic location: 2q32.2.
Variant type: single nucleotide variant.
Coding change: c.2159G>A on transcript NM_000090.4 (MANE Select); coding-DNA position 2159, G replaced by A.
Protein change: p.Gly720Asp; replaces glycine 720 with aspartic acid.
Molecular consequence: missense variant.
Genome position (GRCh38, 1-based): chr2:188,999,507, G>A. VCF-style: chr2-188999507-G-A. GRCh37 (hg19) VCF-style: chr2-189864233-G-A.
Other names: short protein forms G720D.
Identifiers: ClinVar variation 654047 (VCV000654047.1), dbSNP rs1576468332, ClinGen allele CA349840649.